The following is an entry in ClinVar:

ClinVar aggregate classification (germline): Conflicting classifications of pathogenicity. Review status: criteria provided, conflicting classifications (1 of 4 stars). 8 submissions from 8 submitters: Uncertain significance (2); Likely benign (6). Last evaluated 2026-01-19.

Conditions:
Developmental and epileptic encephalopathy, 1 (DEE1). Also called: INFANTILE SPASM SYNDROME, X-LINKED 1; Epileptic encephalopathy, early infantile, 1; X-linked infantile spasms; West's syndrome; Tonic spasms with clustering, arrest of psychomotor development and hypsarrhythmia on EEG; X-Linked Infantile Spasm Syndrome. Identifiers: MedGen C3463992, MONDO:0010632, OMIM 308350. Disease mechanism: loss of function.
Autosomal dominant nonsyndromic hearing loss 65. Also called: TBC1D24-Related Autosomal Dominant Nonsyndromic Hearing Loss (DFNA); Deafness, autosomal dominant 65. Identifiers: Orphanet 90635, MedGen C3892048, MONDO:0014470, OMIM 616044.
Inborn genetic diseases. Identifiers: MedGen C0950123, MeSH D030342.
Familial infantile myoclonic epilepsy (FIME). Also called: TBC1D24-Related Familial Infantile Myoclonic Epilepsy (FIME); Epilepsy, Myoclonic, Infantile. Identifiers: Orphanet 352582, MedGen C0917800, MONDO:0011506, OMIM 605021.
TBC1D24-related disorder. Also called: TBC1D24-related condition; TBC1D24-related disorders. Identifiers: MedGen CN381194.

Allele frequency attached by ClinVar (database versions not stated): gnomAD exomes 0.00007 and 0.00010; ExAC 0.00011; ESP Exome Variant Server 0.00016; gnomAD 0.00025 and 0.00026; TOPMed 0.00031; 1000 Genomes Project 0.00040; 1000 Genomes Project 30x 0.00047.
gnomAD v4.1: 140 of 1,611,694 alleles (0.0087%); highest among the groups gnomAD compares: African/African-American, 0.093%; no homozygotes.

Submissions (8):

Labcorp Genetics (formerly Invitae), Labcorp
Classification: Likely benign for Developmental and epileptic encephalopathy, 1; Autosomal dominant nonsyndromic hearing loss 65. Last evaluated: 2026-01-19. Review status: criteria provided, single submitter. Criteria: Invitae Variant Classification Sherloc (09022015). Collection method: clinical testing. Allele origin: germline.

PreventionGenetics, part of Exact Sciences
Classification: Likely benign for TBC1D24-related condition. Last evaluated: 2025-11-18. Review status: criteria provided, single submitter. Criteria: ACMG Guidelines, 2015. Collection method: clinical testing. Allele origin: germline.
Comment: This variant is classified as likely benign based on ACMG/AMP sequence variant interpretation guidelines (Richards et al. 2015 PMID: 25741868, with internal and published modifications).

CeGaT Center for Human Genetics Tuebingen
Classification: Likely benign. Last evaluated: 2025-03-01. Review status: criteria provided, single submitter. Criteria: CeGaT Center For Human Genetics Tuebingen Variant Classification Criteria Version 2. Collection method: clinical testing. Allele origin: germline. Affected: yes. Observed: 2 variant alleles.
Comment: TBC1D24: BP4, BP7

GeneDx
Classification: Likely benign. Last evaluated: 2021-04-29. Review status: criteria provided, single submitter. Criteria: GeneDx Variant Classification Process June 2021. Collection method: clinical testing. Allele origin: germline. Affected: yes.

Ambry Genetics
Classification: Likely benign for Inborn genetic diseases. Last evaluated: 2018-06-13. Review status: criteria provided, single submitter. Criteria: Ambry Variant Classification Scheme 2023. Collection method: clinical testing. Allele origin: germline.

Illumina Laboratory Services, Illumina
Classification: Uncertain significance for Familial infantile myoclonic epilepsy. Last evaluated: 2018-01-13. Review status: criteria provided, single submitter. Criteria: ICSL Variant Classification Criteria 13 December 2019. Collection method: clinical testing. Allele origin: germline.

Eurofins Ntd Llc (ga)
Classification: Uncertain significance. Last evaluated: 2017-04-24. Review status: criteria provided, single submitter. Criteria: EGL Classification Definitions 2015. Collection method: clinical testing. Allele origin: germline. Observed: 2 variant alleles, 2 heterozygotes.

Laboratory for Molecular Medicine, Mass General Brigham Personalized Medicine
Classification: Likely benign. Last evaluated: 2014-11-24. Review status: criteria provided, single submitter. Criteria: LMM Criteria. Collection method: clinical testing. Allele origin: germline. Observed: 1 variant allele.
Comment: Ser346Ser in exon 4 of TBC1D24: This variant is not expected to have clinical si gnificance because it does not alter an amino acid residue and is not located wi thin the splice consensus sequence. It has been identified in 2/4262 African Ame rican chromosomes from a broad population by the NHLBI Exome Sequencing Project.

NM_001199107.2(TBC1D24):c.1038C>T (p.Ser346=)

Gene: TBC1D24 (TBC1 domain family member 24; plus strand). Cytogenetic location: 16p13.3.
Variant type: single nucleotide variant.
Coding change: c.1038C>T on transcript NM_001199107.2 (MANE Select); coding-DNA position 1038, C replaced by T.
Protein change: p.Ser346=; no amino-acid change (serine 346 retained).
Molecular consequence: synonymous variant.
Genome position (GRCh38, 1-based): chr16:2,498,292, C>T. VCF-style: chr16-2498292-C-T. GRCh37 (hg19) VCF-style: chr16-2548293-C-T.
Other names: p.Ser346Ser; c.1020C>T, p.Ser340= (NM_020705.3).
Identifiers: ClinVar variation 318616 (VCV000318616.52), dbSNP rs377697825, ClinGen allele CA7844141.